The following is an entry in ClinVar:

ClinVar aggregate classification (germline): Uncertain significance. Review status: criteria provided, multiple submitters, no conflicts (2 of 4 stars). 2 submissions from 2 submitters: Uncertain significance (2). Last evaluated 2023-12-29.

gnomAD v4.1: 20 of 1,571,734 alleles (0.0013%); highest among the groups gnomAD compares: Non-Finnish European, 0.0016%; no homozygotes.

Submissions (2):

GeneDx
Classification: Uncertain significance. Last evaluated: 2023-12-29. Review status: criteria provided, single submitter. Criteria: GeneDx Variant Classification Process June 2021. Collection method: clinical testing. Allele origin: germline. Affected: yes.
Comment: Has not been previously published as pathogenic or benign to our knowledge; Not observed at significant frequency in large population cohorts (gnomAD); Nonsense variant predicted to result in protein truncation as the last 3 amino acids are lost, although loss-of-function variants have not been reported downstream of this position in the protein

Labcorp Genetics (formerly Invitae), Labcorp
Classification: Uncertain significance. Last evaluated: 2023-12-10. Review status: criteria provided, single submitter. Criteria: Invitae Variant Classification Sherloc (09022015). Collection method: clinical testing. Allele origin: germline.
Comment: This sequence change creates a premature translational stop signal (p.Arg682*) in the COL9A3 gene. While this is not anticipated to result in nonsense mediated decay, it is expected to disrupt the last 3 amino acid(s) of the COL9A3 protein. The frequency data for this variant in the population databases is considered unreliable, as metrics indicate poor data quality at this position in the gnomAD database. This variant has not been reported in the literature in individuals affected with COL9A3-related conditions. ClinVar contains an entry for this variant (Variation ID: 1446896). Experimental studies and prediction algorithms are not available or were not evaluated, and the functional significance of this variant is currently unknown. In summary, the available evidence is currently insufficient to determine the role of this variant in disease. Therefore, it has been classified as a Variant of Uncertain Significance.

NM_001853.4(COL9A3):c.2044C>T (p.Arg682Ter)

Gene: COL9A3 (collagen type IX alpha 3 chain; plus strand). Cytogenetic location: 20q13.33.
Variant type: single nucleotide variant.
Coding change: c.2044C>T on transcript NM_001853.4 (MANE Select); coding-DNA position 2044, C replaced by T.
Protein change: p.Arg682Ter; replaces arginine 682 with a stop codon.
Molecular consequence: nonsense.
Genome position (GRCh38, 1-based): chr20:62,840,721, C>T. VCF-style: chr20-62840721-C-T. GRCh37 (hg19) VCF-style: chr20-61472073-C-T.
Other names: c.2044C>T (NM_001853.3); short protein forms R682*.
Identifiers: ClinVar variation 1446896 (VCV001446896.7), dbSNP rs1048100, ClinGen allele CA409602028.